The following is an entry in ClinVar:

ClinVar aggregate classification (germline): Likely pathogenic (1 of 4 stars; one submission).

Conditions:
Cobalamin C disease. Also called: Cobalamin-C methylmalonic acidemia and homocystinuria; Methylmalonic acidemia and homocystinuria cblC type; Methylmalonic aciduria with homocystinuria cblC type; methylmalonic aciduria and homocystinuria type cblC; Methylmalonic aciduria and homocystinuria, Vitamin B12-responsive; Vitamin B12 metabolic defect with combined deficiency of methylmalonyl-CoA mutase and homocysteine:methyltetrahydrofolate methyltransferase. Identifiers: Orphanet 26, Orphanet 79282, MedGen C1848561, MONDO:0010184, OMIM 277400.

Allele frequency attached by ClinVar (database versions not stated): ExAC 0.00001; gnomAD 0.00001; 1000 Genomes Project 0.00020; 1000 Genomes Project 30x 0.00031.

Submission:

Labcorp Genetics (formerly Invitae), Labcorp
Classification: Likely pathogenic for Cobalamin C disease. Last evaluated: 2021-06-07. Review status: criteria provided, single submitter. Criteria: Invitae Variant Classification Sherloc (09022015). Collection method: clinical testing. Allele origin: germline.
Comment: This sequence change affects an acceptor splice site in intron 2 of the MMACHC gene. It is expected to disrupt RNA splicing. Variants that disrupt the donor or acceptor splice site typically lead to a loss of protein function (PMID: 16199547), and loss-of-function variants in MMACHC are known to be pathogenic (PMID: 16311595). In summary, the currently available evidence indicates that the variant is pathogenic, but additional data are needed to prove that conclusively. Therefore, this variant has been classified as Likely Pathogenic. Algorithms developed to predict the effect of sequence changes on RNA splicing suggest that this variant may disrupt the consensus splice site, but this prediction has not been confirmed by published transcriptional studies. This variant has not been reported in the literature in individuals with MMACHC-related conditions. This variant is present in population databases (rs202000595, ExAC 0.01%).

Literature cited by the submitters: PubMed 16199547; PubMed 16311595.

NM_015506.3(MMACHC):c.277-2A>G

Gene: MMACHC (metabolism of cobalamin associated C; plus strand). Cytogenetic location: 1p34.1.
Variant type: single nucleotide variant.
Coding change: c.277-2A>G on transcript NM_015506.3 (MANE Select); the canonical splice acceptor site of the intron before coding-DNA position 277, A replaced by G.
Molecular consequence: splice acceptor variant.
Genome position (GRCh38, 1-based): chr1:45,508,210, A>G. VCF-style: chr1-45508210-A-G. GRCh37 (hg19) VCF-style: chr1-45973882-A-G.
Other names: c.106-2A>G (NM_001330540.2).
Identifiers: ClinVar variation 1506301 (VCV001506301.8), dbSNP rs202000595, ClinGen allele CA827694.